The following is an entry in ClinVar:

NM_206933.4(USH2A):c.14249A>G (p.Gln4750Arg)

Gene: USH2A (usherin; minus strand). Cytogenetic location: 1q41.
Variant type: single nucleotide variant.
Coding change: c.14249A>G on transcript NM_206933.4 (MANE Select); coding-DNA position 14249, A replaced by G.
Protein change: p.Gln4750Arg; replaces glutamine 4750 with arginine.
Molecular consequence: missense variant.
Genome position (GRCh38, 1-based): chr1:215,650,686, T>C on the plus strand (A>G on the coding strand, the complement: USH2A is on the minus strand). VCF-style: chr1-215650686-T-C. GRCh37 (hg19) VCF-style: chr1-215824028-T-C.
Other names: short protein forms Q4750R.
Identifiers: ClinVar variation 1423884 (VCV001423884.3), dbSNP rs762923475, ClinGen allele CA1393083.

ClinVar aggregate classification (germline): Uncertain significance (1 of 4 stars; one submission).

Allele frequency attached by ClinVar (database versions not stated): ExAC 0.00001; gnomAD exomes below 0.00001.
gnomAD v4.1: 1 of 1,613,942 alleles (0.000062%); highest among the groups gnomAD compares: Admixed American, 0.0017%; no homozygotes.

Submission:

Labcorp Genetics (formerly Invitae), Labcorp
Classification: Uncertain significance. Last evaluated: 2022-07-12. Review status: criteria provided, single submitter. Criteria: Invitae Variant Classification Sherloc (09022015). Collection method: clinical testing. Allele origin: germline.
Comment: This sequence change replaces glutamine, which is neutral and polar, with arginine, which is basic and polar, at codon 4750 of the USH2A protein (p.Gln4750Arg). This variant is present in population databases (rs762923475, gnomAD 0.003%). This variant has not been reported in the literature in individuals affected with USH2A-related conditions. ClinVar contains an entry for this variant (Variation ID: 1423884). Algorithms developed to predict the effect of missense changes on protein structure and function (SIFT, PolyPhen-2, Align-GVGD) all suggest that this variant is likely to be tolerated. In summary, the available evidence is currently insufficient to determine the role of this variant in disease. Therefore, it has been classified as a Variant of Uncertain Significance.